The following is an entry in ClinVar:

NM_000026.4(ADSL):c.386A>G (p.Asp129Gly)

Gene: ADSL (adenylosuccinate lyase; plus strand). Cytogenetic location: 22q13.1.
Variant type: single nucleotide variant.
Coding change: c.386A>G on transcript NM_000026.4 (MANE Select); coding-DNA position 386, A replaced by G.
Protein change: p.Asp129Gly; replaces aspartic acid 129 with glycine.
Molecular consequence: missense variant. On other transcripts: non-coding transcript variant (1).
Genome position (GRCh38, 1-based): chr22:40,353,101, A>G. VCF-style: chr22-40353101-A-G. GRCh37 (hg19) VCF-style: chr22-40749105-A-G.
Other names: c.386A>G, p.Asp129Gly (NM_001123378.3, NM_001363840.3, NM_001410812.1 and 1 more transcripts); c.194A>G, p.Asp65Gly (NM_001317923.2); short protein forms D129G, D65G.
Identifiers: ClinVar variation 1716820 (VCV001716820.5), dbSNP rs2518096288, ClinGen allele CA411637514.

ClinVar aggregate classification (germline): Uncertain significance (1 of 4 stars; one submission).

Conditions:
Adenylosuccinate lyase deficiency (ADSLD). Also called: ADSL DEFICIENCY. Identifiers: Orphanet 46, MedGen C0268126, MONDO:0007068, OMIM 103050.

Submission:

Labcorp Genetics (formerly Invitae), Labcorp
Classification: Uncertain significance for Adenylosuccinate lyase deficiency. Last evaluated: 2022-10-19. Review status: criteria provided, single submitter. Criteria: Invitae Variant Classification Sherloc (09022015). Collection method: clinical testing. Allele origin: germline.
Comment: This sequence change replaces aspartic acid, which is acidic and polar, with glycine, which is neutral and non-polar, at codon 129 of the ADSL protein (p.Asp129Gly). This variant is not present in population databases (gnomAD no frequency). This variant has not been reported in the literature in individuals affected with ADSL-related conditions. Advanced modeling of protein sequence and biophysical properties (such as structural, functional, and spatial information, amino acid conservation, physicochemical variation, residue mobility, and thermodynamic stability) performed at Invitae indicates that this missense variant is not expected to disrupt ADSL protein function. In summary, the available evidence is currently insufficient to determine the role of this variant in disease. Therefore, it has been classified as a Variant of Uncertain Significance.